The following is an entry in ClinVar:

NM_032520.5(GNPTG):c.233+9A>T

Gene: GNPTG (N-acetylglucosamine-1-phosphate transferase subunit gamma; plus strand). Cytogenetic location: 16p13.3.
Variant type: single nucleotide variant.
Coding change: c.233+9A>T on transcript NM_032520.5 (MANE Select); 9 bases into the intron after coding-DNA position 233, A replaced by T.
Molecular consequence: intron variant.
Genome position (GRCh38, 1-based): chr16:1,361,806, A>T. VCF-style: chr16-1361806-A-T. GRCh37 (hg19) VCF-style: chr16-1411807-A-T.
Identifiers: ClinVar variation 762569 (VCV000762569.6), dbSNP rs1596612776, ClinGen allele CA915946205.

ClinVar aggregate classification (germline): Likely benign. Review status: criteria provided, single submitter (1 of 4 stars). 2 submissions from 2 submitters: Likely benign (1). 1 of the submissions does not count toward it. Last evaluated 2019-12-31.

Conditions:
GNPTG-related disorder. Also called: GNPTG-related condition.

Submissions (2):

Labcorp Genetics (formerly Invitae), Labcorp
Classification: Likely benign. Last evaluated: 2019-12-31. Review status: criteria provided, single submitter. Criteria: Invitae Variant Classification Sherloc (09022015). Collection method: clinical testing. Allele origin: germline.

PreventionGenetics, part of Exact Sciences
Classification: Likely benign for GNPTG-related condition. Last evaluated: 2021-03-19. Review status: no assertion criteria provided. Collection method: clinical testing. Allele origin: germline. Not counted in ClinVar's aggregate classification.
Comment: This variant is classified as likely benign based on ACMG/AMP sequence variant interpretation guidelines (Richards et al. 2015 PMID: 25741868, with internal and published modifications).